The following is an entry in ClinVar:

ClinVar aggregate classification (germline): Uncertain significance (1 of 4 stars; one submission).

Conditions:
Inborn genetic diseases. Identifiers: MedGen C0950123, MeSH D030342.

Submission:

Ambry Genetics
Classification: Uncertain significance for Inborn genetic diseases. Last evaluated: 2025-11-11. Review status: criteria provided, single submitter. Criteria: Ambry Variant Classification Scheme 2023. Collection method: clinical testing. Allele origin: germline.
Comment: The p.G182R variant (also known as c.544G>C), located in coding exon 4 of the MECOM gene, results from a G to C substitution at nucleotide position 544. The glycine at codon 182 is replaced by arginine, an amino acid with dissimilar properties. This amino acid position is conserved. In addition, the in silico prediction for this alteration is inconclusive. Based on the available evidence, the clinical significance of this variant remains unclear.

NM_004991.4(MECOM):c.544G>C (p.Gly182Arg)

Gene: MECOM (MDS1 and EVI1 complex locus; minus strand). Cytogenetic location: 3q26.2.
Variant type: single nucleotide variant.
Coding change: c.544G>C on transcript NM_004991.4 (MANE Select); coding-DNA position 544, G replaced by C.
Protein change: p.Gly182Arg; replaces glycine 182 with arginine.
Molecular consequence: missense variant. On other transcripts: 5 prime UTR variant (12).
Genome position (GRCh38, 1-based): chr3:169,131,498, C>G on the plus strand (G>C on the coding strand, the complement: MECOM is on the minus strand). VCF-style: chr3-169131498-C-G. GRCh37 (hg19) VCF-style: chr3-168849286-C-G.
Other names: c.172G>C, p.Gly58Arg (NM_001105077.4); c.-21G>C (NM_001105078.4, NM_001163999.2, NM_001164000.2 and 9 more transcripts); c.544G>C, p.Gly182Arg (NM_001366466.2, NM_001366473.2); short protein forms G58R, G182R.
Identifiers: ClinVar variation 4624690 (VCV004624690.1).